The following is an entry in ClinVar:

ClinVar aggregate classification (germline): Conflicting classifications of pathogenicity. Review status: criteria provided, conflicting classifications (1 of 4 stars). 5 submissions from 5 submitters: Uncertain significance (3); Benign (1). 1 of the submissions does not count toward it. Last evaluated 2025-09-18.

Conditions:
Hereditary cancer-predisposing syndrome. Also called: Tumor predisposition; Neoplastic Syndromes, Hereditary; Hereditary Cancer Syndrome; Hereditary neoplastic syndrome. Identifiers: Orphanet 140162, MedGen C0027672, MeSH D009386, MONDO:0015356.
Malignant tumor of breast. Also called: Malignant breast neoplasm; Cancer breast. Identifiers: MedGen C0006142, MONDO:0007254. Disease mechanism: loss of function.
Ataxia-telangiectasia syndrome (AT). Also called: Ataxia-telangiectasia; Cerebello-oculocutaneous telangiectasia; Immunodeficiency with ataxia telangiectasia; ATAXIA-TELANGIECTASIA, COMPLEMENTATION GROUP A; ATAXIA-TELANGIECTASIA, FRESNO VARIANT; Ataxia-telangiectasia, complementation group D. Identifiers: Orphanet 100, MedGen C0004135, MONDO:0008840, OMIM 208900.

Allele frequency attached by ClinVar (database versions not stated): gnomAD below 0.00001 and 0.00001; TOPMed 0.00001; ExAC 0.00002; gnomAD exomes 0.00002 and 0.00003.
gnomAD v4.1: 11 of 1,612,380 alleles (0.00068%); highest among the groups gnomAD compares: South Asian, 0.011%; no homozygotes.

Submissions (5):

Ambry Genetics
Classification: Uncertain significance for Hereditary cancer-predisposing syndrome. Last evaluated: 2025-09-18. Review status: criteria provided, single submitter. Criteria: Ambry Variant Classification Scheme 2023. Collection method: clinical testing. Allele origin: germline.
Comment: The p.R1585G variant (also known as c.4753A>G), located in coding exon 30 of the ATM gene, results from an A to G substitution at nucleotide position 4753. The arginine at codon 1585 is replaced by glycine, an amino acid with dissimilar properties. This amino acid position is not well conserved in available vertebrate species, and glycine is the reference amino acid in other vertebrate species. In addition, this alteration is predicted to be tolerated by in silico analysis. Since supporting evidence is limited at this time, the clinical significance of this alteration remains unclear.

Labcorp Genetics (formerly Invitae), Labcorp
Classification: Benign for Ataxia-telangiectasia syndrome. Last evaluated: 2025-09-03. Review status: criteria provided, single submitter. Criteria: Invitae Variant Classification Sherloc (09022015). Collection method: clinical testing. Allele origin: germline.

Color Diagnostics, LLC DBA Color Health
Classification: Uncertain significance for Hereditary cancer-predisposing syndrome. Last evaluated: 2023-06-13. Review status: criteria provided, single submitter. Criteria: ACMG Guidelines, 2015. Collection method: clinical testing. Allele origin: germline.
Comment: This missense variant replaces arginine with glycine at codon 1585 of the ATM protein. Computational prediction suggests that this variant may not impact protein structure and function (internally defined REVEL score threshold <= 0.5, PMID: 27666373). To our knowledge, functional studies have not been reported for this variant. This variant has not been reported in individuals affected with hereditary cancer in the literature. This variant has been identified in 7/250846 chromosomes in the general population by the Genome Aggregation Database (gnomAD). The available evidence is insufficient to determine the role of this variant in disease conclusively. Therefore, this variant is classified as a Variant of Uncertain Significance.

Sema4
Classification: Uncertain significance for Hereditary cancer-predisposing syndrome. Last evaluated: 2022-03-09. Review status: criteria provided, single submitter. Criteria: Sema4 Curation Guidelines. Collection method: curation. Allele origin: germline.
Comment: To the best of our knowledge, the ATM c.4753A>G (p.R1585G) variant has not been reported in individuals with ATM-related disease. This variant was observed in 7/30588 chromosomes in the South Asian population according to the Genome Aggregation Database (PMID: 32461654). The variant has been reported in ClinVar (Variation ID: 414544). In silico tools suggest the impact of the variant on protein function is benign, though these predictions have not been confirmed by functional studies. The evidence is insufficient to meet ACMG/AMP criteria for classifying the variant as benign or pathogenic. Thus, the clinical significance of this variant is currently uncertain.

Department of Pathology and Laboratory Medicine, Sinai Health System
Classification: Uncertain significance for Malignant tumor of breast. Review status: no assertion criteria provided. Collection method: clinical testing. Allele origin: unknown. Affected: yes. Study: The Canadian Open Genetics Repository (COGR). Not counted in ClinVar's aggregate classification.
Comment: The ATM p.Arg1585Gly variant was not identified in the literature nor was it identified in the following databases: COGR, COSMIC, MutDB, LOVD 3.0 or ATM-LOVD. The variant was identified in dbSNP (ID: rs781275128) as â€šÃ„ÃºWith Benign alleleâ€šÃ„Ã¹, and in the ClinVar and Clinvitae databases (1x classified as benign by Invitae). The variant was identified in control databases in 7 of 245660 chromosomes at a frequency of 0.00003 (Genome Aggregation Database Feb 27, 2017). This variant was only observed in the South Asian population (7 of 30752 chromosomes, freq: 0.0002, no homozygotes); it was not observed in the African, â€šÃ„ÃºOtherâ€šÃ„Ã¹, Latino, European Non-Finnish, Ashkenazi Jewish, East Asian, or European Finnish populations. The p.Arg1585Gly residue is not conserved in mammals and four out of five computational analyses (PolyPhen-2, SIFT, AlignGVGD, BLOSUM, MutationTaster) do not suggest a high likelihood of impact to the protein; however, this information is not predictive enough to rule out pathogenicity. The variant occurs outside of the splicing consensus sequence and 1 of 5 in silico or computational prediction software programs (SpliceSiteFinder, MaxEntScan, NNSPLICE, GeneSplicer, HumanSpliceFinder) predict a greater than 10% difference in splicing; this is not very predictive of pathogenicity. In summary, based on the above information the clinical significance of this variant cannot be determined with certainty at this time. This variant is classified as a variant of uncertain significance.

NM_000051.4(ATM):c.4753A>G (p.Arg1585Gly)

Gene: ATM (ATM serine/threonine kinase; plus strand). Cytogenetic location: 11q22.3.
Variant type: single nucleotide variant.
Coding change: c.4753A>G on transcript NM_000051.4 (MANE Select); coding-DNA position 4753, A replaced by G.
Protein change: p.Arg1585Gly; replaces arginine 1585 with glycine.
Molecular consequence: missense variant.
Genome position (GRCh38, 1-based): chr11:108,293,454, A>G. VCF-style: chr11-108293454-A-G. GRCh37 (hg19) VCF-style: chr11-108164181-A-G.
Other names: c.4753A>G, p.Arg1585Gly (NM_001351834.2); short protein forms R1585G.
Identifiers: ClinVar variation 414544 (VCV000414544.27), dbSNP rs781275128, ClinGen allele CA6265533.